The following is an entry in ClinVar:

ClinVar aggregate classification (germline): Likely benign. Review status: criteria provided, multiple submitters, no conflicts (2 of 4 stars). 3 submissions from 3 submitters: Likely benign (3). Last evaluated 2025-02-18.

Conditions:
Hereditary nonpolyposis colorectal neoplasms. Identifiers: MedGen C0009405, MeSH D003123.
Lynch syndrome 4 (LYNCH4). Also called: Hereditary non-polyposis colorectal cancer, type 4; Colorectal cancer, hereditary nonpolyposis, type 4. Identifiers: Orphanet 144, MedGen C1838333, MONDO:0013699, OMIM 614337. Disease mechanism: loss of function.

Allele frequency attached by ClinVar (database versions not stated): TOPMed below 0.00001.

Submissions (3):

Labcorp Genetics (formerly Invitae), Labcorp
Classification: Likely benign for Hereditary nonpolyposis colorectal neoplasms. Last evaluated: 2025-02-18. Review status: criteria provided, single submitter. Criteria: Invitae Variant Classification Sherloc (09022015). Collection method: clinical testing. Allele origin: germline.

Myriad Genetics, Inc.
Classification: Likely benign for Lynch syndrome 4. Last evaluated: 2025-01-29. Review status: criteria provided, single submitter. Criteria: Myriad Autosomal Dominant, Autosomal Recessive and X-Linked Classification Criteria (2023). Collection method: clinical testing. Allele origin: unknown.
Comment: This variant is considered likely benign. This variant is intronic and is not expected to impact mRNA splicing.

Blueprint Genetics
Classification: Likely benign. Last evaluated: 2024-10-28. Review status: criteria provided, single submitter. Criteria: ACMG Guidelines, 2015. Collection method: clinical testing. Allele origin: germline.

NM_000535.7(PMS2):c.989-20T>C

Gene: PMS2 (PMS1 homolog 2, mismatch repair system component; minus strand). Cytogenetic location: 7p22.1.
Variant type: single nucleotide variant.
Coding change: c.989-20T>C on transcript NM_000535.7 (MANE Select); 20 bases into the intron before coding-DNA position 989, T replaced by C.
Molecular consequence: intron variant.
Genome position (GRCh38, 1-based): chr7:5,989,975, A>G on the plus strand (T>C on the coding strand, the complement: PMS2 is on the minus strand). VCF-style: chr7-5989975-A-G. GRCh37 (hg19) VCF-style: chr7-6029606-A-G.
Other names: c.671-20T>C (NM_001322008.2, NM_001322007.2); c.583+1998T>C (NM_001322010.2); c.584-20T>C (NM_001322004.2, NM_001322003.2, NM_001322009.2 and 1 more transcripts); c.416-20T>C (NM_001322013.2); c.56-20T>C (NM_001322012.2, NM_001322011.2); c.680-20T>C (NM_001322015.2); c.988+1998T>C (NM_001322006.2); c.989-20T>C (NM_001322014.2).
Identifiers: ClinVar variation 1550878 (VCV001550878.10), dbSNP rs772522605, ClinGen allele CA1685237052.